The following is an entry in ClinVar:

NM_005529.7(HSPG2):c.2977C>G (p.Leu993Val)

Gene: HSPG2 (heparan sulfate proteoglycan 2; minus strand). Cytogenetic location: 1p36.12.
Variant type: single nucleotide variant.
Coding change: c.2977C>G on transcript NM_005529.7 (MANE Select); coding-DNA position 2977, C replaced by G.
Protein change: p.Leu993Val; replaces leucine 993 with valine.
Molecular consequence: missense variant.
Genome position (GRCh38, 1-based): chr1:21,876,255, G>C on the plus strand (C>G on the coding strand, the complement: HSPG2 is on the minus strand). VCF-style: chr1-21876255-G-C. GRCh37 (hg19) VCF-style: chr1-22202748-G-C.
Other names: c.2980C>G, p.Leu994Val (NM_001291860.2); short protein forms L993V, L994V.
Identifiers: ClinVar variation 2229717 (VCV002229717.2), dbSNP rs2550766052, ClinGen allele CA338962620.
Genomic context (GRCh38, chr1:21,876,255, plus strand): 5'-TGGAGTTTCCTTTGCCTTTCCACCCACTACCCACCTTGTCCCCCAGGAAGCGTGAAGGGA[G>C]GCTCCAGAAGTAGGGTCCAGATAAGAGTCTGTGGAAGGAGGAGAATCCCAGTTCCCCGGG-3'
Protein context (NP_005520.4, residues 983-1003): RLLSGPYFWS[Leu993Val]PSRFLGDKVT

ClinVar aggregate classification (germline): Uncertain significance (1 of 4 stars; one submission).

Conditions:
Inborn genetic diseases. Identifiers: MedGen C0950123, MeSH D030342.

Submission:

Ambry Genetics
Classification: Uncertain significance for Inborn genetic diseases. Last evaluated: 2021-03-25. Review status: criteria provided, single submitter. Criteria: Ambry Variant Classification Scheme 2023. Collection method: clinical testing. Allele origin: germline.
Comment: The c.2977C>G (p.L993V) alteration is located in exon 22 (coding exon 22) of the HSPG2 gene. This alteration results from a C to G substitution at nucleotide position 2977, causing the leucine (L) at amino acid position 993 to be replaced by a valine (V). The p.L993V alteration is predicted to be tolerated by in silico analysis. Based on insufficient or conflicting evidence, the clinical significance of this alteration remains unclear.